The following is an entry in ClinVar:

ClinVar aggregate classification (germline): Likely benign (1 of 4 stars; one submission).

Submission:

CeGaT Center for Human Genetics Tuebingen
Classification: Likely benign. Last evaluated: 2026-07-01. Review status: criteria provided, single submitter. Criteria: CeGaT Center For Human Genetics Tuebingen Variant Classification Criteria Version 2. Collection method: clinical testing. Allele origin: germline. Affected: yes. Observed: 2 variant alleles.
Comment: ATP7A: BP4

NM_000052.7(ATP7A):c.1544-812_1544-811del

Gene: ATP7A (ATPase copper transporting alpha; plus strand). Cytogenetic location: Xq21.1.
Variant type: Deletion.
Coding change: c.1544-812_1544-811del on transcript NM_000052.7 (MANE Select); 812 bases into the intron before coding-DNA position 1544 through 811 bases into the intron before coding-DNA position 1544, 2 bases deleted (TT; older notation c.1544-812_1544-811delTT).
Molecular consequence: intron variant.
Genome position (GRCh38, 1-based): chrX:78,002,261-78,002,262, TT deleted; deleting any 2 consecutive bases within chrX:78,002,245-78,002,262 gives the same sequence; the c. name uses the placement nearest the transcript's 3' end. VCF-style (leftmost placement, unchanged base first): chrX-78002244-ATT-A. GRCh37 (hg19) VCF-style: chrX-77257741-ATT-A.
Other names: c.1544-812_1544-811del (NM_001282224.2).
Identifiers: ClinVar variation 5039666 (VCV005039666.1).